The following is an entry in ClinVar:

ClinVar aggregate classification (germline): Uncertain significance (1 of 4 stars; one submission).

Conditions:
Episodic ataxia type 1 (EA1). Also called: Episodic ataxia/myokymia syndrome; ATAXIA, EPISODIC, WITH MYOKYMIA; MYOKYMIA WITH PERIODIC ATAXIA; PAROXYSMAL ATAXIA WITH NEUROMYOTONIA, HEREDITARY. Identifiers: Orphanet 37612, Orphanet 972, MedGen C1719788, MONDO:0008047, OMIM 160120.

Submission:

Labcorp Genetics (formerly Invitae), Labcorp
Classification: Uncertain significance for Episodic ataxia type 1. Last evaluated: 2023-07-31. Review status: criteria provided, single submitter. Criteria: Invitae Variant Classification Sherloc (09022015). Collection method: clinical testing. Allele origin: germline.
Comment: In summary, the available evidence is currently insufficient to determine the role of this variant in disease. Therefore, it has been classified as a Variant of Uncertain Significance. An algorithm developed to predict the effect of missense changes on protein structure and function (PolyPhen-2) suggests that this variant is likely to be disruptive. This variant has not been reported in the literature in individuals affected with KCNA1-related conditions. Information on the frequency of this variant in the gnomAD database is not available, as this variant may be reported differently in the database. This sequence change replaces isoleucine, which is neutral and non-polar, with asparagine, which is neutral and polar, at codon 294 of the KCNA1 protein (p.Ile294Asn).

NM_000217.3(KCNA1):c.881_882delinsAT (p.Ile294Asn)

Gene: KCNA1 (potassium voltage-gated channel subfamily A member 1; plus strand). Cytogenetic location: 12p13.32.
Variant type: Indel.
Coding change: c.881_882delinsAT on transcript NM_000217.3 (MANE Select); coding-DNA positions 881 to 882, TC replaced by AT.
Protein change: p.Ile294Asn; replaces isoleucine 294 with asparagine.
Molecular consequence: missense variant.
Genome position (GRCh38, 1-based): chr12:4,912,259-4,912,260, TC replaced by AT. VCF-style: chr12-4912259-TC-AT. GRCh37 (hg19) VCF-style: chr12-5021425-TC-AT.
Other names: short protein forms I294N.
Identifiers: ClinVar variation 2748606 (VCV002748606.3), dbSNP rs2497353319, ClinGen allele CA2697559072.
Genomic context (GRCh38, chr12:4,912,259, plus strand): 5'-CTGAGCAGGAAGGAAACCAGAAGGGCGAGCAGGCCACCTCCCTGGCCATCCTCAGGGTCA[TC>AT]CGCTTGGTAAGGGTTTTTAGAATCTTCAAGCTCTCCCGCCACTCTAAGGGCCTCCAGATC-3'
Protein context (NP_000208.2, residues 284-304): QATSLAILRV[Ile294Asn]RLVRVFRIFK